The following is an entry in ClinVar:

ClinVar aggregate classification (germline): Conflicting classifications of pathogenicity. Review status: criteria provided, conflicting classifications (1 of 4 stars). 6 submissions from 6 submitters: Uncertain significance (5); Likely benign (1). Last evaluated 2026-02-01.

Conditions:
CARD14-related disorder. Also called: CARD14-related condition.
Autoinflammatory syndrome. Identifiers: Orphanet 93665, MedGen C3890737, MONDO:0019751.
Pityriasis rubra pilaris (PRP). Also called: Pityriasis rubra pilaris--familial type. Identifiers: Orphanet 2897, MedGen C0032027, MONDO:0100017, OMIM 173200, MONDO:0008251.
Psoriasis 2. Identifiers: MedGen C1864497, MONDO:0011269, OMIM 602723.

Allele frequency attached by ClinVar (database versions not stated): TOPMed 0.00005; gnomAD 0.00006; ExAC 0.00010; ESP Exome Variant Server 0.00031.
gnomAD v4.1: 95 of 1,605,666 alleles (0.0059%); highest among the groups gnomAD compares: Middle Eastern, 0.11%; no homozygotes.

Submissions (6):

Labcorp Genetics (formerly Invitae), Labcorp
Classification: Uncertain significance for Pityriasis rubra pilaris; Psoriasis 2. Last evaluated: 2026-02-01. Review status: criteria provided, single submitter. Criteria: Invitae Variant Classification Sherloc (09022015). Collection method: clinical testing. Allele origin: germline.
Comment: This sequence change falls in intron 9 of the CARD14 gene. It does not directly change the encoded amino acid sequence of the CARD14 protein. It affects a nucleotide within the consensus splice site. This variant is present in population databases (rs376524884, gnomAD 0.05%), and has an allele count higher than expected for a pathogenic variant. This variant has been observed in individual(s) with psoriasis vulgaris (PMID: 26358359). ClinVar contains an entry for this variant (Variation ID: 861971). Variants that disrupt the consensus splice site are a relatively common cause of aberrant splicing (PMID: 17576681, 9536098). Algorithms developed to predict the effect of sequence changes on RNA splicing suggest that this variant is not likely to affect RNA splicing. In summary, the available evidence is currently insufficient to determine the role of this variant in disease. Therefore, it has been classified as a Variant of Uncertain Significance.

Women's Health and Genetics/Laboratory Corporation of America, LabCorp
Classification: Likely benign. Last evaluated: 2025-01-03. Review status: criteria provided, single submitter. Criteria: LabCorp Variant Classification Summary - May 2015. Collection method: clinical testing. Allele origin: germline.
Comment: Variant summary: CARD14 c.1356+5G>A alters a non-conserved nucleotide located close to a canonical splice site and therefore could affect mRNA splicing, leading to a significantly altered protein sequence. The variant allele was found at a frequency of 5.9e-05 in 1605666 control chromosomes. The observed variant frequency is approximately 6 fold of the estimated maximal expected allele frequency for a pathogenic variant in CARD14 causing Pityriasis rubra pilaris phenotype (1e-05). c.1356+5G>A has been reported in the literature in at-least one individual affected with psoriasis vulgaris (example: Ammar_2016). These report(s) do not provide unequivocal conclusions about association of the variant with Pityriasis rubra pilaris. To our knowledge, no experimental evidence demonstrating an impact on protein function has been reported. The following publication has been ascertained in the context of this evaluation (PMID: 26358359). ClinVar contains an entry for this variant (Variation ID: 861971). Based on the evidence outlined above, the variant was classified as likely benign.

PreventionGenetics, part of Exact Sciences
Classification: Uncertain significance for CARD14-related condition. Last evaluated: 2023-05-11. Review status: criteria provided, single submitter. Criteria: ACMG Guidelines, 2015. Collection method: clinical testing. Allele origin: germline.
Comment: The CARD14 c.1356+5G>A variant is predicted to interfere with splicing. This variant is predicted to impact a consensus splice site based on available splicing prediction programs (Alamut Visual v2.11). However, such computer prediction programs are imperfect. This variant is reported in 0.050% of alleles in individuals of Ashkenazi Jewish descent in gnomAD. At this time, the clinical significance of this variant is uncertain due to the absence of conclusive functional and genetic evidence.

CeGaT Center for Human Genetics Tuebingen
Classification: Uncertain significance. Last evaluated: 2022-05-01. Review status: criteria provided, single submitter. Criteria: CeGaT Center For Human Genetics Tuebingen Variant Classification Criteria Version 2. Collection method: clinical testing. Allele origin: germline. Affected: yes. Observed: 1 variant allele.
Comment: CARD14: PM2, BP4

Mayo Clinic Laboratories, Mayo Clinic
Classification: Uncertain significance. Last evaluated: 2021-07-26. Review status: criteria provided, single submitter. Criteria: ACMG Guidelines, 2015. Collection method: clinical testing. Allele origin: germline.

Genome Diagnostics Laboratory, The Hospital for Sick Children
Classification: Uncertain significance for Autoinflammatory syndrome. Last evaluated: 2019-05-01. Review status: criteria provided, single submitter. Criteria: ACMG Guidelines, 2015. Collection method: clinical testing. Allele origin: germline. Affected: yes.

Literature cited by the submitters: PubMed 26358359 (cited by Labcorp Genetics (formerly Invitae), Labcorp and Women's Health and Genetics/Laboratory Corporation of America, LabCorp); PubMed 17576681 (cited by Labcorp Genetics (formerly Invitae), Labcorp); PubMed 9536098 (cited by Labcorp Genetics (formerly Invitae), Labcorp).

NM_001366385.1(CARD14):c.1356+5G>A

Gene: CARD14 (caspase recruitment domain family member 14; plus strand). Cytogenetic location: 17q25.3.
Variant type: single nucleotide variant.
Coding change: c.1356+5G>A on transcript NM_001366385.1 (MANE Select); 5 bases into the intron after coding-DNA position 1356, G replaced by A.
Molecular consequence: intron variant.
Genome position (GRCh38, 1-based): chr17:80,192,624, G>A. VCF-style: chr17-80192624-G-A. GRCh37 (hg19) VCF-style: chr17-78166423-G-A.
Other names: c.1356+5G>A (NM_001257970.1, NM_024110.4); c.645+5G>A (NM_052819.3).
Identifiers: ClinVar variation 861971 (VCV000861971.38), dbSNP rs376524884, ClinGen allele CA8816771.
Genomic context (GRCh38, chr17:80,192,624, plus strand): 5'-TGCATGCCATCTGCCCCAGAGACGACAGCGACTGCAGCCTCGTCAGCTCCACAGAGGTAC[G>A]GCCGCTCCTCCCGCCTCCCTCACTGCCTTGACCCTCTGGGCCAGCCCAGGGGCCTCTCTG-3'